The following is an entry in ClinVar:

NM_144997.7(FLCN):c.1335A>C (p.Ala445=)

Gene: FLCN (folliculin; minus strand). Cytogenetic location: 17p11.2.
Variant type: single nucleotide variant.
Coding change: c.1335A>C on transcript NM_144997.7 (MANE Select); coding-DNA position 1335, A replaced by C.
Protein change: p.Ala445=; no amino-acid change (alanine 445 retained).
Molecular consequence: synonymous variant.
Genome position (GRCh38, 1-based): chr17:17,215,282, T>G on the plus strand (A>C on the coding strand, the complement: FLCN is on the minus strand). VCF-style: chr17-17215282-T-G. GRCh37 (hg19) VCF-style: chr17-17118596-T-G.
Other names: c.1389A>C, p.Ala463= (NM_001353229.2); c.1335A>C, p.Ala445= (NM_001353230.2, NM_001353231.2).
Identifiers: ClinVar variation 3773488 (VCV003773488.1).

ClinVar aggregate classification (germline): Benign (1 of 4 stars; one submission).

Conditions:
Birt-Hogg-Dube syndrome 1 (BHD1). Also called: FIBROFOLLICULOMAS WITH TRICHODISCOMAS AND ACROCHORDONS. Identifiers: Orphanet 122, MedGen CN375946, MONDO:0800445, OMIM 135150.

Submission:

Myriad Genetics, Inc.
Classification: Benign for Birt-Hogg-Dube syndrome 1. Last evaluated: 2024-10-24. Review status: criteria provided, single submitter. Criteria: Myriad Autosomal Dominant, Autosomal Recessive and X-Linked Classification Criteria (2023). Collection method: clinical testing. Allele origin: unknown.
Comment: This variant is considered benign. This variant is a silent/synonymous amino acid change and it is not expected to impact splicing.